The following is an entry in ClinVar:

ClinVar aggregate classification (germline): Uncertain significance. Review status: criteria provided, multiple submitters, no conflicts (2 of 4 stars). 3 submissions from 3 submitters: Uncertain significance (3). Last evaluated 2026-03-10.

Conditions:
Hereditary cancer-predisposing syndrome. Also called: Hereditary Cancer Syndrome; Hereditary neoplastic syndrome; Tumor predisposition; Neoplastic Syndromes, Hereditary. Identifiers: Orphanet 140162, MedGen C0027672, MeSH D009386, MONDO:0015356.
Tumor predisposition syndrome 3 (TPDS3). Also called: Glioma susceptibility 9; LONG TELOMERE SYNDROME, POT1-RELATED; POT1 Tumor Predisposition; Melanoma, cutaneous malignant, susceptibility to, 10. Identifiers: Orphanet 618, MedGen C4014476, MONDO:0014368, OMIM 615848.

Allele frequency attached by ClinVar (database versions not stated): TOPMed 0.00002; gnomAD exomes below 0.00001; gnomAD 0.00002.

Submissions (3):

Ambry Genetics
Classification: Uncertain significance for Hereditary cancer-predisposing syndrome. Last evaluated: 2026-03-10. Review status: criteria provided, single submitter. Criteria: Ambry Variant Classification Scheme 2023. Collection method: clinical testing. Allele origin: germline.

Labcorp Genetics (formerly Invitae), Labcorp
Classification: Uncertain significance for Tumor predisposition syndrome 3. Last evaluated: 2025-12-31. Review status: criteria provided, single submitter. Criteria: Invitae Variant Classification Sherloc (09022015). Collection method: clinical testing. Allele origin: germline.
Comment: This sequence change replaces leucine, which is neutral and non-polar, with serine, which is neutral and polar, at codon 150 of the POT1 protein (p.Leu150Ser). This variant is present in population databases (no rsID available, gnomAD 0.003%). This variant has not been reported in the literature in individuals affected with POT1-related conditions. ClinVar contains an entry for this variant (Variation ID: 642122). Invitae Evidence Modeling of protein sequence and biophysical properties (such as structural, functional, and spatial information, amino acid conservation, physicochemical variation, residue mobility, and thermodynamic stability) indicates that this missense variant is not expected to disrupt POT1 protein function with a negative predictive value of 80%. In summary, the available evidence is currently insufficient to determine the role of this variant in disease. Therefore, it has been classified as a Variant of Uncertain Significance.

GeneDx
Classification: Uncertain significance. Last evaluated: 2024-02-18. Review status: criteria provided, single submitter. Criteria: GeneDx Variant Classification Process June 2021. Collection method: clinical testing. Allele origin: germline.
Comment: Not observed at significant frequency in large population cohorts (gnomAD); In silico analysis supports that this missense variant does not alter protein structure/function; Observed in the germline of an individual with acute myeloid leukemia (AML) /myelodysplastic syndrome (MDS) (PMID: 34193977); This variant is associated with the following publications: (PMID: 38254993, 34193977)

NM_015450.3(POT1):c.449T>C (p.Leu150Ser)

Gene: POT1 (protection of telomeres 1; minus strand). Cytogenetic location: 7q31.33.
Variant type: single nucleotide variant.
Coding change: c.449T>C on transcript NM_015450.3 (MANE Select); coding-DNA position 449, T replaced by C.
Protein change: p.Leu150Ser; replaces leucine 150 with serine.
Molecular consequence: missense variant. On other transcripts: non-coding transcript variant (3).
Genome position (GRCh38, 1-based): chr7:124,863,447, A>G on the plus strand (T>C on the coding strand, the complement: POT1 is on the minus strand). VCF-style: chr7-124863447-A-G. GRCh37 (hg19) VCF-style: chr7-124503501-A-G.
Other names: c.56T>C, p.Leu19Ser (NM_001042594.2); short protein forms L150S, L19S.
Identifiers: ClinVar variation 642122 (VCV000642122.17), dbSNP rs918544320, ClinGen allele CA166074091.
Genomic context (GRCh38, chr7:124,863,447, plus strand): 5'-CCCAAGAGCTGACAAGTCAGGTCAAAATACTGCATTGGCTGAACATCACACAATTTTAGT[A>G]ATGTCCAAGACGGTGACATATGAGTAGATGCCCAAACACGTAAGGCTTCTACCATTTTGT-3'
Protein context (NP_056265.2, residues 140-160): ASTHMSPSWT[Leu150Ser]LKLCDVQPMQ